The following is an entry in ClinVar:

ClinVar aggregate classification (germline): Uncertain significance. Review status: criteria provided, multiple submitters, no conflicts (2 of 4 stars). 2 submissions from 2 submitters: Uncertain significance (2). Last evaluated 2024-05-15.

Conditions:
Autosomal dominant nocturnal frontal lobe epilepsy 5. Also called: KCNT1-Related Epilepsy; CILIARY DYSKINESIA, PRIMARY, 28, WITHOUT SITUS INVERSUS; CILIARY DYSKINESIA, PRIMARY, 28, WITH SITUS INVERSUS; Epilepsy, nocturnal frontal lobe, 5. Identifiers: Orphanet 98784, MedGen C3554306, MONDO:0014002, OMIM 615005.
Developmental and epileptic encephalopathy, 14 (DEE14). Also called: Early infantile epileptic encephalopathy 14. Identifiers: Orphanet 293181, MedGen C3554195, MONDO:0013989, OMIM 614959.
Inborn genetic diseases. Identifiers: MedGen C0950123, MeSH D030342.

Allele frequency attached by ClinVar (database versions not stated): gnomAD exomes below 0.00001.
gnomAD v4.1: 5 of 1,613,390 alleles (0.00031%); highest among the groups gnomAD compares: South Asian, 0.0055%; no homozygotes.

Submissions (2):

Labcorp Genetics (formerly Invitae), Labcorp
Classification: Uncertain significance for Autosomal dominant nocturnal frontal lobe epilepsy 5; Developmental and epileptic encephalopathy, 14. Last evaluated: 2024-05-15. Review status: criteria provided, single submitter. Criteria: Invitae Variant Classification Sherloc (09022015). Collection method: clinical testing. Allele origin: germline.
Comment: This sequence change replaces alanine, which is neutral and non-polar, with valine, which is neutral and non-polar, at codon 618 of the KCNT1 protein (p.Ala618Val). This variant is not present in population databases (gnomAD no frequency). This missense change has been observed in individual(s) with clinical features of KCNT1-related conditions (Invitae). ClinVar contains an entry for this variant (Variation ID: 1008161). Advanced modeling of protein sequence and biophysical properties (such as structural, functional, and spatial information, amino acid conservation, physicochemical variation, residue mobility, and thermodynamic stability) performed at Invitae indicates that this missense variant is not expected to disrupt KCNT1 protein function with a negative predictive value of 80%. In summary, the available evidence is currently insufficient to determine the role of this variant in disease. Therefore, it has been classified as a Variant of Uncertain Significance.

Ambry Genetics
Classification: Uncertain significance for Inborn genetic diseases. Last evaluated: 2020-12-29. Review status: criteria provided, single submitter. Criteria: Ambry Variant Classification Scheme 2023. Collection method: clinical testing. Allele origin: germline.
Comment: The c.1853C>T (p.A618V) alteration is located in exon 18 (coding exon 18) of the KCNT1 gene. This alteration results from a C to T substitution at nucleotide position 1853, causing the alanine (A) at amino acid position 618 to be replaced by a valine (V). The p.A618V alteration is predicted to be tolerated by in silico analysis. Based on insufficient or conflicting evidence, the clinical significance of this alteration remains unclear.

NM_020822.3(KCNT1):c.1853C>T (p.Ala618Val)

Gene: KCNT1 (potassium sodium-activated channel subfamily T member 1; plus strand). Cytogenetic location: 9q34.3.
Variant type: single nucleotide variant.
Coding change: c.1853C>T on transcript NM_020822.3 (MANE Select); coding-DNA position 1853, C replaced by T.
Protein change: p.Ala618Val; replaces alanine 618 with valine.
Molecular consequence: missense variant.
Genome position (GRCh38, 1-based): chr9:135,770,940, C>T. VCF-style: chr9-135770940-C-T. GRCh37 (hg19) VCF-style: chr9-138662786-C-T.
Other names: c.1853C>T (NM_020822.2); c.1718C>T, p.Ala573Val (NM_001272003.2); short protein forms A573V, A618V.
Identifiers: ClinVar variation 1008161 (VCV001008161.10), dbSNP rs1832713510, ClinGen allele CA375508283.